The following is an entry in ClinVar:

ClinVar aggregate classification (germline): Uncertain significance (0 of 4 stars; one submission).

Conditions:
PLXNA2-related disorder. Also called: PLXNA2-related condition.

gnomAD v4.1: 7 of 1,613,810 alleles (0.00043%); highest among the groups gnomAD compares: East Asian, 0.0022%; no homozygotes.

Submission:

PreventionGenetics, part of Exact Sciences
Classification: Uncertain significance for PLXNA2-related condition. Last evaluated: 2024-04-26. Review status: no assertion criteria provided. Collection method: clinical testing. Allele origin: germline.
Comment: The PLXNA2 c.5023G>A variant is predicted to result in the amino acid substitution p.Glu1675Lys. To our knowledge, this variant has not been reported in the literature or in a large population database, indicating this variant is rare. At this time, the clinical significance of this variant is uncertain due to the absence of conclusive functional and genetic evidence.

NM_025179.4(PLXNA2):c.5023G>A (p.Glu1675Lys)

Gene: PLXNA2 (plexin A2; minus strand). Cytogenetic location: 1q32.2.
Variant type: single nucleotide variant.
Coding change: c.5023G>A on transcript NM_025179.4 (MANE Select); coding-DNA position 5023, G replaced by A.
Protein change: p.Glu1675Lys; replaces glutamic acid 1675 with lysine.
Molecular consequence: missense variant.
Genome position (GRCh38, 1-based): chr1:208,033,351, C>T on the plus strand (G>A on the coding strand, the complement: PLXNA2 is on the minus strand). VCF-style: chr1-208033351-C-T. GRCh37 (hg19) VCF-style: chr1-208206696-C-T.
Other names: short protein forms E1675K.
Identifiers: ClinVar variation 3345589 (VCV003345589.1).
Genomic context (GRCh38, chr1:208,033,351, plus strand): 5'-TCCCTGGTCTGGGCAGAGGGGGAGTTACCTTGGTGGCCAGTAGCCGGGTCAGGTAGATCT[C>T]GGACACCATCTTGCTGCCCCGGTCACCCTCCTTCTGGTCACCGTGGTCATGGTTCTTCAC-3'
Protein context (NP_079455.3, residues 1665-1685): EGDRGSKMVS[Glu1675Lys]IYLTRLLATK